The following is an entry in ClinVar:

NM_001242957.3(MAK):c.1052A>T (p.Gln351Leu)

Gene: MAK (male germ cell associated kinase; minus strand). Cytogenetic location: 6p24.2.
Variant type: single nucleotide variant.
Coding change: c.1052A>T on transcript NM_001242957.3 (MANE Select); coding-DNA position 1052, A replaced by T.
Protein change: p.Gln351Leu; replaces glutamine 351 with leucine.
Molecular consequence: missense variant. On other transcripts: non-coding transcript variant (2).
Genome position (GRCh38, 1-based): chr6:10,796,089, T>A on the plus strand (A>T on the coding strand, the complement: MAK is on the minus strand). VCF-style: chr6-10796089-T-A. GRCh37 (hg19) VCF-style: chr6-10796322-T-A.
Other names: c.1052A>T, p.Gln351Leu (NM_001242385.2, NM_005906.6); c.950A>T, p.Gln317Leu (NM_001377262.1); short protein forms Q317L, Q351L.
Identifiers: ClinVar variation 3067588 (VCV003067588.21), dbSNP rs2532426378, ClinGen allele CA362719388.

ClinVar aggregate classification (germline): Uncertain significance (1 of 4 stars; one submission).

Submission:

CeGaT Center for Human Genetics Tuebingen
Classification: Uncertain significance. Last evaluated: 2024-03-01. Review status: criteria provided, single submitter. Criteria: CeGaT Center For Human Genetics Tuebingen Variant Classification Criteria Version 2. Collection method: clinical testing. Allele origin: germline. Affected: yes. Observed: 1 variant allele.
Comment: MAK: PM2, BP4